The following is an entry in ClinVar:

NM_017415.3(KLHL3):c.1723C>T (p.Arg575Trp)

Gene: KLHL3 (kelch like family member 3; minus strand). Cytogenetic location: 5q31.2.
Variant type: single nucleotide variant.
Coding change: c.1723C>T on transcript NM_017415.3 (MANE Select); coding-DNA position 1723, C replaced by T.
Protein change: p.Arg575Trp; replaces arginine 575 with tryptophan.
Molecular consequence: missense variant.
Genome position (GRCh38, 1-based): chr5:137,625,765, G>A on the plus strand (C>T on the coding strand, the complement: KLHL3 is on the minus strand). VCF-style: chr5-137625765-G-A. GRCh37 (hg19) VCF-style: chr5-136961454-G-A.
Other names: c.1627C>T, p.Arg543Trp (NM_001257194.1); c.1477C>T, p.Arg493Trp (NM_001257195.2); c.1723C>T (NM_017415.2); short protein forms R575W, R493W, R543W.
Identifiers: ClinVar variation 100548 (VCV000100548.4), dbSNP rs199469646, ClinGen allele CA269985.

ClinVar aggregate classification (germline): Uncertain significance. Review status: criteria provided, single submitter (1 of 4 stars). 2 submissions from 2 submitters: Uncertain significance (1). 1 of the submissions does not count toward it. Last evaluated 2023-08-30.

Conditions:
Pseudohypoaldosteronism type 2A (PHA2A). Also called: GORDON HYPERKALEMIA-HYPERTENSION SYNDROME; HYPERTENSIVE HYPERKALEMIA, FAMILIAL. Identifiers: Orphanet 757, Orphanet 88938, MedGen C1840389, MONDO:0007772, OMIM 145260.

Allele frequency attached by ClinVar (database versions not stated): ExAC 0.00001; gnomAD 0.00001; gnomAD exomes 0.00001; TOPMed 0.00001.
gnomAD v4.1: 11 of 1,613,960 alleles (0.00068%); highest among the groups gnomAD compares: Non-Finnish European, 0.00093%; no homozygotes.

Submissions (2):

GeneDx
Classification: Uncertain significance. Last evaluated: 2023-08-30. Review status: criteria provided, single submitter. Criteria: GeneDx Variant Classification Process June 2021. Collection method: clinical testing. Allele origin: germline. Affected: yes.
Comment: Identified in an individual with pseudohypoaldosteronism type II and a second variant in KLHL3 but segregation information was not available (Boyden et al., 2012); In silico analysis supports that this missense variant has a deleterious effect on protein structure/function; This variant is associated with the following publications: (PMID: 22266938)

Richard Lifton Laboratory, Yale University School of Medicine
Classification: Pathogenic for Pseudohypoaldosteronism, type 2. Review status: no assertion criteria provided. Collection method: not provided. Allele origin: germline. Not counted in ClinVar's aggregate classification.
Comment: recessive;Kelch propeller domain
ClinVar note: Converted during submission from pathogenic to Pathogenic.